The following is an entry in ClinVar:

ClinVar aggregate classification (germline): Uncertain significance (1 of 4 stars; one submission).

Allele frequency attached by ClinVar (database versions not stated): TOPMed 0.00001.

Submission:

Labcorp Genetics (formerly Invitae), Labcorp
Classification: Uncertain significance. Last evaluated: 2022-05-16. Review status: criteria provided, single submitter. Criteria: Invitae Variant Classification Sherloc (09022015). Collection method: clinical testing. Allele origin: germline.
Comment: The frequency data for this variant in the population databases is considered unreliable, as metrics indicate poor data quality at this position in the gnomAD database. In summary, the available evidence is currently insufficient to determine the role of this variant in disease. Therefore, it has been classified as a Variant of Uncertain Significance. Algorithms developed to predict the effect of missense changes on protein structure and function are either unavailable or do not agree on the potential impact of this missense change (SIFT: "Deleterious"; PolyPhen-2: "Probably Damaging"; Align-GVGD: "Class C0"). This variant has not been reported in the literature in individuals affected with KMT2C-related conditions. This sequence change replaces glycine, which is neutral and non-polar, with glutamic acid, which is acidic and polar, at codon 1503 of the KMT2C protein (p.Gly1503Glu).

NM_170606.3(KMT2C):c.4508G>A (p.Gly1503Glu)

Gene: KMT2C (lysine methyltransferase 2C; minus strand). Cytogenetic location: 7q36.1.
Variant type: single nucleotide variant.
Coding change: c.4508G>A on transcript NM_170606.3 (MANE Select); coding-DNA position 4508, G replaced by A.
Protein change: p.Gly1503Glu; replaces glycine 1503 with glutamic acid.
Molecular consequence: missense variant.
Genome position (GRCh38, 1-based): chr7:152,194,261, C>T on the plus strand (G>A on the coding strand, the complement: KMT2C is on the minus strand). VCF-style: chr7-152194261-C-T. GRCh37 (hg19) VCF-style: chr7-151891346-C-T.
Other names: short protein forms G1503E.
Identifiers: ClinVar variation 2417972 (VCV002417972.6), dbSNP rs1468534722, ClinGen allele CA370105545.